The following is an entry in ClinVar:

NM_006393.3(NEBL):c.731del (p.His244fs)

Gene: NEBL (nebulette; minus strand). Cytogenetic location: 10p12.31.
Variant type: Deletion.
Coding change: c.731del on transcript NM_006393.3 (MANE Select); coding-DNA position 731, one base deleted (A; older notation c.731delA).
Protein change: p.His244fs; shifts the reading frame from histidine 244.
Molecular consequence: frameshift variant. On other transcripts: intron variant (9).
Genome position (GRCh38, 1-based): chr10:20,859,780, T deleted on the plus strand (A on the coding strand, the reverse complement: NEBL is on the minus strand). VCF-style (leftmost placement, unchanged base first): chr10-20859779-AT-A. GRCh37 (hg19) VCF-style: chr10-21148708-AT-A.
Other names: c.250-46840del (NM_001377326.1, NM_001377327.1, NM_001377328.1); c.358-46840del (NM_213569.2, NM_001173484.2, NM_001377322.1); c.301-46840del (NM_001377324.1); c.292-46840del (NM_001377325.1); c.310-46840del (NM_001377323.1); short protein forms H244fs.
Identifiers: ClinVar variation 3665213 (VCV003665213.2).

ClinVar aggregate classification (germline): Uncertain significance (1 of 4 stars; one submission).

Conditions:
Primary dilated cardiomyopathy (DCM). Also called: Dilated Cardiomyopathy. Identifiers: Orphanet 217604, MedGen C0007193, MeSH D002311, MONDO:0005021, HP:0001644. Inheritance: Various modes of inheritance.

Submission:

Labcorp Genetics (formerly Invitae), Labcorp
Classification: Uncertain significance for Primary dilated cardiomyopathy. Last evaluated: 2024-04-01. Review status: criteria provided, single submitter. Criteria: Invitae Variant Classification Sherloc (09022015). Collection method: clinical testing. Allele origin: germline.
Comment: This sequence change creates a premature translational stop signal (p.His244Leufs*24) in the NEBL gene. It is expected to result in an absent or disrupted protein product. However, the current clinical and genetic evidence is not sufficient to establish whether loss-of-function variants in NEBL cause disease. This variant is present in population databases (no rsID available, gnomAD 0.0009%). This variant has not been reported in the literature in individuals affected with NEBL-related conditions. In summary, the available evidence is currently insufficient to determine the role of this variant in disease. Therefore, it has been classified as a Variant of Uncertain Significance.